The following is an entry in ClinVar:

ClinVar aggregate classification (germline): Pathogenic (1 of 4 stars; one submission).

Conditions:
Inborn genetic diseases. Identifiers: MedGen C0950123, MeSH D030342.

Submission:

Ambry Genetics
Classification: Pathogenic for Inborn genetic diseases. Last evaluated: 2025-11-25. Review status: criteria provided, single submitter. Criteria: Ambry Variant Classification Scheme 2023. Collection method: clinical testing. Allele origin: germline.
Comment: The c.1879_1889del11insTTGAAGTGGTAGTATTC (p.A627_Y630delinsLKW*) alteration, located in coding exon 10 of the EP300 gene, results from an in-frame deletion of 11 nucleotides and insertion of 17 nucleotides at nucleotide positions 1879 to 1889. This results in the introduction of a premature stop codon at 630. This alteration is expected to result in loss of function by premature protein truncation or nonsense-mediated mRNA decay. for EP300-related Rubinstein-Taybi syndrome; however, it is unlikely to be causative of EP300-related Menke-Hennekam syndrome. This variant was not reported in population-based cohorts in the Genome Aggregation Database (gnomAD). Based on the available evidence, this alteration is classified as pathogenic.

NM_001429.4(EP300):c.1879_1889delinsTTGAAGTGGTAGTATTC (p.Ala627_Tyr630delinsLeuLysTrpTer)

Gene: EP300 (EP300 lysine acetyltransferase; plus strand). Cytogenetic location: 22q13.2.
Variant type: Indel.
Coding change: c.1879_1889delinsTTGAAGTGGTAGTATTC on transcript NM_001429.4 (MANE Select); coding-DNA positions 1879 to 1889, GCGGAATACTA replaced by TTGAAGTGGTAGTATTC.
Protein change: p.Ala627_Tyr630delinsLeuLysTrpTer.
Molecular consequence: nonsense.
Genome position (GRCh38, 1-based): chr22:41,141,048-41,141,058, GCGGAATACTA replaced by TTGAAGTGGTAGTATTC. VCF-style: chr22-41141048-GCGGAATACTA-TTGAAGTGGTAGTATTC. GRCh37 (hg19) VCF-style: chr22-41537052-GCGGAATACTA-TTGAAGTGGTAGTATTC.
Other names: c.1879_1889delinsTTGAAGTGGTAGTATTC, p.Ala627_Tyr630delinsLeuLysTrpTer (NM_001362843.2).
Identifiers: ClinVar variation 2613389 (VCV002613389.3), dbSNP rs2518144937, ClinGen allele CA2582342824.